The following is an entry in ClinVar:

ClinVar aggregate classification (germline): Uncertain significance (1 of 4 stars; one submission).

Conditions:
Rubinstein-Taybi syndrome (RSTS). Identifiers: Orphanet 783, MedGen C0035934, MONDO:0019188.

Submission:

Labcorp Genetics (formerly Invitae), Labcorp
Classification: Uncertain significance for Rubinstein-Taybi syndrome. Last evaluated: 2025-02-06. Review status: criteria provided, single submitter. Criteria: Invitae Variant Classification Sherloc (09022015). Collection method: clinical testing. Allele origin: germline.
Comment: This sequence change replaces threonine, which is neutral and polar, with alanine, which is neutral and non-polar, at codon 2434 of the CREBBP protein (p.Thr2434Ala). This variant is not present in population databases (gnomAD no frequency). This variant has not been reported in the literature in individuals affected with CREBBP-related conditions. ClinVar contains an entry for this variant (Variation ID: 2825802). Invitae Evidence Modeling of protein sequence and biophysical properties (such as structural, functional, and spatial information, amino acid conservation, physicochemical variation, residue mobility, and thermodynamic stability) indicates that this missense variant is not expected to disrupt CREBBP protein function with a negative predictive value of 95%. In summary, the available evidence is currently insufficient to determine the role of this variant in disease. Therefore, it has been classified as a Variant of Uncertain Significance.

NM_004380.3(CREBBP):c.7300A>G (p.Thr2434Ala)

Gene: CREBBP (CREB binding lysine acetyltransferase; minus strand). Cytogenetic location: 16p13.3.
Variant type: single nucleotide variant.
Coding change: c.7300A>G on transcript NM_004380.3 (MANE Select); coding-DNA position 7300, A replaced by G.
Protein change: p.Thr2434Ala; replaces threonine 2434 with alanine.
Molecular consequence: missense variant.
Genome position (GRCh38, 1-based): chr16:3,727,747, T>C on the plus strand (A>G on the coding strand, the complement: CREBBP is on the minus strand). VCF-style: chr16-3727747-T-C. GRCh37 (hg19) VCF-style: chr16-3777748-T-C.
Other names: c.7186A>G, p.Thr2396Ala (NM_001079846.1); short protein forms T2434A, T2396A.
Identifiers: ClinVar variation 2825802 (VCV002825802.3), dbSNP rs2151297947, ClinGen allele CA394550116.